The following is an entry in ClinVar:

NM_001172509.2(SATB2):c.1075G>C (p.Glu359Gln)

Gene: SATB2 (SATB homeobox 2; minus strand). Cytogenetic location: 2q33.1.
Variant type: single nucleotide variant.
Coding change: c.1075G>C on transcript NM_001172509.2 (MANE Select); coding-DNA position 1075, G replaced by C.
Protein change: p.Glu359Gln; replaces glutamic acid 359 with glutamine.
Molecular consequence: missense variant.
Genome position (GRCh38, 1-based): chr2:199,348,799, C>G on the plus strand (G>C on the coding strand, the complement: SATB2 is on the minus strand). VCF-style: chr2-199348799-C-G. GRCh37 (hg19) VCF-style: chr2-200213522-C-G.
Other names: c.1075G>C, p.Glu359Gln (NM_001172517.1, NM_015265.4); short protein forms E359Q.
Identifiers: ClinVar variation 2760902 (VCV002760902.5), dbSNP rs2468896596, ClinGen allele CA350387338.

ClinVar aggregate classification (germline): Uncertain significance. Review status: criteria provided, multiple submitters, no conflicts (2 of 4 stars). 2 submissions from 2 submitters: Uncertain significance (2). Last evaluated 2025-11-29.

Conditions:
Chromosome 2q32-q33 deletion syndrome (GLASS). Also called: Glass syndrome; 2q33.1 deletion syndrome. Identifiers: Orphanet 251019, MedGen C2676739, MONDO:0012864, OMIM 612313.

Submissions (2):

Labcorp Genetics (formerly Invitae), Labcorp
Classification: Uncertain significance for Chromosome 2q32-q33 deletion syndrome. Last evaluated: 2025-11-29. Review status: criteria provided, single submitter. Criteria: Invitae Variant Classification Sherloc (09022015). Collection method: clinical testing. Allele origin: germline.
Comment: This sequence change replaces glutamic acid, which is acidic and polar, with glutamine, which is neutral and polar, at codon 359 of the SATB2 protein (p.Glu359Gln). This variant is not present in population databases (gnomAD no frequency). This variant has not been reported in the literature in individuals affected with SATB2-related conditions. ClinVar contains an entry for this variant (Variation ID: 2760902). Invitae Evidence Modeling of protein sequence and biophysical properties (such as structural, functional, and spatial information, amino acid conservation, physicochemical variation, residue mobility, and thermodynamic stability) indicates that this missense variant is not expected to disrupt SATB2 protein function with a negative predictive value of 80%. In summary, the available evidence is currently insufficient to determine the role of this variant in disease. Therefore, it has been classified as a Variant of Uncertain Significance.

Dasa
Classification: Uncertain significance. Last evaluated: 2025-08-07. Review status: criteria provided, single submitter. Criteria: DASA Assertion Criteria. Collection method: clinical testing. Allele origin: germline.
Comment: NM_001172509.2(SATB2):c.1075G>C (p.Glu359Gln) is a missense variant that results in the substitution of glutamic acid with glutamine. This variant is absent from population databases. The currently available literature and clinical evidence are not sufficient to establish a definitive association between this variant and the reported condition. Therefore, this variant is classified as a variant of uncertain significance.